The following is an entry in ClinVar:

NM_001037333.3(CYFIP2):c.3613G>C (p.Asp1205His)

Genes: CYFIP2 (cytoplasmic FMR1 interacting protein 2; plus strand), NIPAL4-DT (NIPAL4 divergent transcript; minus strand). Cytogenetic location: 5q33.3.
Variant type: single nucleotide variant.
Coding change: c.3613G>C on transcript NM_001037333.3 (MANE Select); coding-DNA position 3613, G replaced by C.
Protein change: p.Asp1205His; replaces aspartic acid 1205 with histidine.
Molecular consequence: missense variant.
Genome position (GRCh38, 1-based): chr5:157,392,851, G>C. VCF-style: chr5-157392851-G-C. GRCh37 (hg19) VCF-style: chr5-156819859-G-C.
Other names: c.3535G>C, p.Asp1179His (NM_001291721.2); c.3688G>C, p.Asp1230His (NM_001291722.2); c.3613G>C, p.Asp1205His (NM_014376.4); short protein forms D1179H, D1205H, D1230H.
Identifiers: ClinVar variation 4976332 (VCV004976332.1).

ClinVar aggregate classification (germline): Uncertain significance (1 of 4 stars; one submission).

gnomAD v4.1: 1 of 1,613,714 alleles (0.000062%); highest among the groups gnomAD compares: Non-Finnish European, 0.000085%; no homozygotes.

Submission:

GeneDx
Classification: Uncertain significance. Last evaluated: 2026-02-10. Review status: criteria provided, single submitter. Criteria: GeneDx Variant Classification Process June 2021. Collection method: clinical testing. Allele origin: germline.
Comment: Not observed at significant frequency in large population cohorts (gnomAD); In silico analysis supports that this missense variant has a deleterious effect on protein structure/function; Has not been previously published as pathogenic or benign to our knowledge